The following is an entry in ClinVar:

NM_177438.3(DICER1):c.4004del (p.Tyr1335fs)

Gene: DICER1 (dicer 1, ribonuclease III; minus strand). Cytogenetic location: 14q32.13.
Variant type: Deletion.
Coding change: c.4004del on transcript NM_177438.3 (MANE Select); coding-DNA position 4004, one base deleted (A; older notation c.4004delA).
Protein change: p.Tyr1335fs; shifts the reading frame from tyrosine 1335.
Molecular consequence: frameshift variant. On other transcripts: non-coding transcript variant (6).
Genome position (GRCh38, 1-based): chr14:95,103,392, T deleted on the plus strand (A on the coding strand, the reverse complement: DICER1 is on the minus strand). VCF-style (leftmost placement, unchanged base first): chr14-95103391-GT-G. GRCh37 (hg19) VCF-style: chr14-95569728-GT-G.
Other names: c.4004del, p.Tyr1335fs (NM_001195573.1, NM_001271282.3, NM_001291628.2 and 12 more transcripts); c.4004delA, p.Tyr1335Serfs (NM_001395681.1); c.3722del, p.Tyr1241fs (NM_001395686.1); c.3599del, p.Tyr1200fs (NM_001395687.1, NM_001395688.1, NM_001395689.1 and 2 more transcripts); c.3437del, p.Tyr1146fs (NM_001395691.1); c.2321del, p.Tyr774fs (NM_001395697.1); short protein forms Y1146fs, Y1335fs, Y1200fs, Y774fs, Y1241fs.
Identifiers: ClinVar variation 2845559 (VCV002845559.3), dbSNP rs2542685293, ClinGen allele CA2739277859.

ClinVar aggregate classification (germline): Pathogenic (1 of 4 stars; one submission).

Conditions:
DICER1-related tumor predisposition. Also called: DICER1-related pleuropulmonary blastoma cancer predisposition syndrome; DICER1 syndrome. Identifiers: Orphanet 284343, MedGen C3839822, MONDO:0100216.

Submission:

Labcorp Genetics (formerly Invitae), Labcorp
Classification: Pathogenic for DICER1-related tumor predisposition. Last evaluated: 2023-05-30. Review status: criteria provided, single submitter. Criteria: Invitae Variant Classification Sherloc (09022015). Collection method: clinical testing. Allele origin: germline.
Comment: For these reasons, this variant has been classified as Pathogenic. This variant has not been reported in the literature in individuals affected with DICER1-related conditions. This variant is not present in population databases (gnomAD no frequency). This sequence change creates a premature translational stop signal (p.Tyr1335Serfs*12) in the DICER1 gene. It is expected to result in an absent or disrupted protein product. Loss-of-function variants in DICER1 are known to be pathogenic (PMID: 19556464, 21266384).

Literature cited by the submitters: PubMed 19556464; PubMed 21266384.